The following is an entry in ClinVar:

ClinVar aggregate classification (germline): Pathogenic. Review status: criteria provided, multiple submitters, no conflicts (2 of 4 stars). 4 submissions from 4 submitters: Pathogenic (4). Last evaluated 2025-05-27.

Conditions:
Familial adenomatous polyposis 4 (FAP4). Also called: MSH3-related attenuated familial adenomatous polyposis. Identifiers: Orphanet 480536, MedGen C4310719, MONDO:0044300, OMIM 617100.
Hereditary cancer-predisposing syndrome. Also called: Neoplastic Syndromes, Hereditary; Hereditary Cancer Syndrome; Tumor predisposition; Hereditary neoplastic syndrome. Identifiers: Orphanet 140162, MedGen C0027672, MeSH D009386, MONDO:0015356.
Endometrial carcinoma. Also called: Endometrial carcinoma, somatic. Identifiers: MedGen C0476089, MONDO:0002447, OMIM 608089, HP:0012114.

Allele frequency attached by ClinVar (database versions not stated): TOPMed 0.00001.
gnomAD v4.1: 1 of 1,613,454 alleles (0.000062%); highest among the groups gnomAD compares: African/African-American, 0.0013%; no homozygotes.

Submissions (4):

Labcorp Genetics (formerly Invitae), Labcorp
Classification: Pathogenic. Last evaluated: 2025-05-27. Review status: criteria provided, single submitter. Criteria: Invitae Variant Classification Sherloc (09022015). Collection method: clinical testing. Allele origin: germline.
Comment: This sequence change creates a premature translational stop signal (p.Glu456*) in the MSH3 gene. It is expected to result in an absent or disrupted protein product. Loss-of-function variants in MSH3 are known to be pathogenic (PMID: 27476653, 37402566). This variant is not present in population databases (gnomAD no frequency). This premature translational stop signal has been observed in individual(s) with polyps (internal data). ClinVar contains an entry for this variant (Variation ID: 944035). For these reasons, this variant has been classified as Pathogenic.

Myriad Genetics, Inc.
Classification: Pathogenic for Familial adenomatous polyposis 4. Last evaluated: 2023-08-29. Review status: criteria provided, single submitter. Criteria: Myriad Autosomal Dominant, Autosomal Recessive and X-Linked Classification Criteria (2023). Collection method: clinical testing. Allele origin: unknown.
Comment: This variant is considered pathogenic. This variant creates a termination codon and is predicted to result in premature protein truncation.

Baylor Genetics
Classification: Pathogenic for Endometrial carcinoma. Last evaluated: 2022-03-31. Review status: criteria provided, single submitter. Criteria: ACMG Guidelines, 2015. Collection method: clinical testing. Allele origin: unknown.

Ambry Genetics
Classification: Pathogenic for Hereditary cancer-predisposing syndrome. Last evaluated: 2022-03-03. Review status: criteria provided, single submitter. Criteria: Ambry Variant Classification Scheme 2023. Collection method: clinical testing. Allele origin: germline.
Comment: The p.E456* pathogenic mutation (also known as c.1366G>T), located in coding exon 9 of the MSH3 gene, results from a G to T substitution at nucleotide position 1366. This changes the amino acid from a glutamic acid to a stop codon within coding exon 9. This variant is considered to be rare based on population cohorts in the Genome Aggregation Database (gnomAD). This alteration is expected to result in loss of function by premature protein truncation or nonsense-mediated mRNA decay. As such, this alteration is interpreted as a disease-causing mutation.

Literature cited by the submitters: PubMed 27476653 (cited by Labcorp Genetics (formerly Invitae), Labcorp); PubMed 37402566 (cited by Labcorp Genetics (formerly Invitae), Labcorp).

NM_002439.5(MSH3):c.1366G>T (p.Glu456Ter)

Gene: MSH3 (mutS homolog 3; plus strand). Cytogenetic location: 5q14.1.
Variant type: single nucleotide variant.
Coding change: c.1366G>T on transcript NM_002439.5 (MANE Select); coding-DNA position 1366, G replaced by T.
Protein change: p.Glu456Ter; replaces glutamic acid 456 with a stop codon.
Molecular consequence: nonsense.
Genome position (GRCh38, 1-based): chr5:80,725,478, G>T. VCF-style: chr5-80725478-G-T. GRCh37 (hg19) VCF-style: chr5-80021297-G-T.
Other names: short protein forms E456*.
Identifiers: ClinVar variation 944035 (VCV000944035.12), dbSNP rs963234468, ClinGen allele CA360273392.